The following is an entry in ClinVar:

NM_003482.4(KMT2D):c.5065C>T (p.Arg1689Cys)

Gene: KMT2D (lysine methyltransferase 2D; minus strand). Cytogenetic location: 12q13.12.
Variant type: single nucleotide variant.
Coding change: c.5065C>T on transcript NM_003482.4 (MANE Select); coding-DNA position 5065, C replaced by T.
Protein change: p.Arg1689Cys; replaces arginine 1689 with cysteine.
Molecular consequence: missense variant.
Genome position (GRCh38, 1-based): chr12:49,044,421, G>A on the plus strand (C>T on the coding strand, the complement: KMT2D is on the minus strand). VCF-style: chr12-49044421-G-A. GRCh37 (hg19) VCF-style: chr12-49438204-G-A.
Other names: short protein forms R1689C.
Identifiers: ClinVar variation 1309918 (VCV001309918.4), dbSNP rs761386159, ClinGen allele CA6547650.
Genomic context (GRCh38, chr12:49,044,421, plus strand): 5'-CGCACCACCCCACCACCCCACAACCCCATCCCAGGACCTCACCAGGCCGATATGGTTTAC[G>A]CTTGCGTTTTTTGCTTTCCTCGGTCTCCTCTTTGCCAGGCTCCACATCAGGGCTGACGGG-3'
Protein context (NP_003473.3, residues 1679-1699): EETEESKKRK[Arg1689Cys]KPYRPGIGGF

ClinVar aggregate classification (germline): Conflicting classifications of pathogenicity. Review status: criteria provided, conflicting classifications (1 of 4 stars). 2 submissions from 2 submitters: Uncertain significance (1); Benign (1). Last evaluated 2025-01-12.

Conditions:
Kabuki syndrome. Also called: Kabuki make-up syndrome; NIIKAWA-KUROKI SYNDROME. Identifiers: Orphanet 2322, MedGen C0796004, MONDO:0016512.

Allele frequency attached by ClinVar (database versions not stated): gnomAD exomes below 0.00001 and 0.00001; TOPMed below 0.00001; ExAC 0.00001; gnomAD 0.00001.
gnomAD v4.1: 6 of 1,613,626 alleles (0.00037%); highest among the groups gnomAD compares: Non-Finnish European, 0.00051%; no homozygotes.

Submissions (2):

Labcorp Genetics (formerly Invitae), Labcorp
Classification: Benign for Kabuki syndrome. Last evaluated: 2025-01-12. Review status: criteria provided, single submitter. Criteria: Invitae Variant Classification Sherloc (09022015). Collection method: clinical testing. Allele origin: germline.

GeneDx
Classification: Uncertain significance. Last evaluated: 2019-11-04. Review status: criteria provided, single submitter. Criteria: GeneDx Variant Classification Process June 2021. Collection method: clinical testing. Allele origin: germline. Affected: yes.
Comment: In silico analysis, which includes protein predictors and evolutionary conservation, supports a deleterious effect; Has not been previously published as pathogenic or benign to our knowledge